The following is an entry in ClinVar:

NM_000334.4(SCN4A):c.739G>A (p.Val247Met)

Gene: SCN4A (sodium voltage-gated channel alpha subunit 4; minus strand). Cytogenetic location: 17q23.3.
Variant type: single nucleotide variant.
Coding change: c.739G>A on transcript NM_000334.4 (MANE Select); coding-DNA position 739, G replaced by A.
Protein change: p.Val247Met; replaces valine 247 with methionine.
Molecular consequence: missense variant.
Genome position (GRCh38, 1-based): chr17:63,968,320, C>T on the plus strand (G>A on the coding strand, the complement: SCN4A is on the minus strand). VCF-style: chr17-63968320-C-T. GRCh37 (hg19) VCF-style: chr17-62045680-C-T.
Other names: short protein forms V247M.
Identifiers: ClinVar variation 931374 (VCV000931374.4), dbSNP rs755321637, ClinGen allele CA8710049.
Genomic context (GRCh38, chr17:63,968,320, plus strand): 5'-CCAGCGCAAAGACGCTCAGGCAGAAGACAGTGAGGATCATCACATCCGACAGCTTTTTCA[C>T]CGACTGGATCAGGGCCCCCACGATCGTCTTCAGCCCTGACCGCAGAGAGGGCAAGGATAT-3'
Protein context (NP_000325.4, residues 237-257): KTIVGALIQS[Val247Met]KKLSDVMILT

ClinVar aggregate classification (germline): Uncertain significance. Review status: criteria provided, multiple submitters, no conflicts (2 of 4 stars). 2 submissions from 2 submitters: Uncertain significance (2). Last evaluated 2024-03-19.

Conditions:
Hyperkalemic periodic paralysis. Also called: Familial hyperkalemic periodic paralysis; Gamstorp disease. Identifiers: Orphanet 682, MedGen C0238357, MONDO:0008224, OMIM 170500, HP:0007215.

gnomAD v4.1: 1 of 1,608,316 alleles (0.000062%); highest among the groups gnomAD compares: Non-Finnish European, 0.000085%; no homozygotes.

Submissions (2):

GeneDx
Classification: Uncertain significance. Last evaluated: 2024-03-19. Review status: criteria provided, single submitter. Criteria: GeneDx Variant Classification Process June 2021. Collection method: clinical testing. Allele origin: germline. Affected: yes.
Comment: Not observed at significant frequency in large population cohorts (gnomAD); In silico analysis supports that this missense variant does not alter protein structure/function; Has not been previously published as pathogenic or benign to our knowledge

Centre for Mendelian Genomics, University Medical Centre Ljubljana
Classification: Uncertain significance for Hyperkalemic periodic paralysis. Last evaluated: 2018-11-10. Review status: criteria provided, single submitter. Criteria: ACMG Guidelines, 2015. Collection method: clinical testing. Allele origin: unknown. Affected: yes.
Comment: This variant was classified as: Uncertain significance. The available evidence favors the pathogenic nature of this variant, however the currently available data is insufficient to conclusively support its pathogenic nature. Thus this variant is classified as Uncertain significance - favor pathogenic. The following ACMG criteria were applied in classifying this variant: PM2,PP3,PP4.